The following is an entry in ClinVar:

NM_002048.3(GAS1):c.636T>A (p.Ala212=)

Gene: GAS1 (growth arrest specific 1; minus strand). Cytogenetic location: 9q21.33.
Variant type: single nucleotide variant.
Coding change: c.636T>A on transcript NM_002048.3 (MANE Select); coding-DNA position 636, T replaced by A.
Protein change: p.Ala212=; no amino-acid change (alanine 212 retained).
Molecular consequence: synonymous variant.
Genome position (GRCh38, 1-based): chr9:86,946,144, A>T on the plus strand (T>A on the coding strand, the complement: GAS1 is on the minus strand). VCF-style: chr9-86946144-A-T. GRCh37 (hg19) VCF-style: chr9-89561059-A-T.
Identifiers: ClinVar variation 3718961 (VCV003718961.2).

ClinVar aggregate classification (germline): Uncertain significance (1 of 4 stars; one submission).

Submission:

Labcorp Genetics (formerly Invitae), Labcorp
Classification: Uncertain significance. Last evaluated: 2025-02-03. Review status: criteria provided, single submitter. Criteria: Invitae Variant Classification Sherloc (09022015). Collection method: clinical testing. Allele origin: germline.
Comment: This sequence change affects codon 212 of the GAS1 mRNA. It is a 'silent' change, meaning that it does not change the encoded amino acid sequence of the GAS1 protein. This variant is present in population databases (rs139565812, gnomAD 0.007%). This variant has not been reported in the literature in individuals affected with GAS1-related conditions. In summary, the available evidence is currently insufficient to determine the role of this variant in disease. Therefore, it has been classified as a Variant of Uncertain Significance.